The following is an entry in ClinVar:

NM_001131016.2(CIZ1):c.11AGC[5] (p.Gln9del)

Gene: CIZ1 (CDKN1A interacting zinc finger protein 1; minus strand). Cytogenetic location: 9q34.11.
Variant type: Microsatellite.
Coding change: c.11AGC[5] on transcript NM_001131016.2 (MANE Select); five copies in a row of the 3-base unit AGC starting at c.11; the reference has six copies in a row; one copy, 3 bases deleted.
Protein change: p.Gln9del; deletes glutamine 9.
Molecular consequence: inframe deletion. On other transcripts: 5 prime UTR variant (1).
Genome position (GRCh38, 1-based): chr9:128,190,830-128,190,832, GCT deleted on the plus strand (AGC on the coding strand, the reverse complement: CIZ1 is on the minus strand); deleting any 3 consecutive bases within chr9:128,190,830-128,190,848 gives the same sequence; the position shown is the placement nearest the transcript's 3' end. VCF-style (leftmost placement, unchanged base first): chr9-128190829-AGCT-A. GRCh37 (hg19) VCF-style: chr9-130953108-AGCT-A.
Other names: c.11AGC[5], p.Gln9del (NM_001131015.2, NM_001131017.2, NM_001131018.2 and 1 more transcripts); c.101AGC[5], p.Gln39del (NM_001257975.2); c.-177AGC[5] (NM_001257976.2); short protein forms Q39del, Q9del.
Identifiers: ClinVar variation 1947729 (VCV001947729.5), dbSNP rs747501009, ClinGen allele CA5257695.

ClinVar aggregate classification (germline): Uncertain significance (1 of 4 stars; one submission).

Conditions:
Dystonic disorder. Also called: Dystonia. Identifiers: MedGen C0013421, MONDO:0003441, HP:0001332.

Submission:

Labcorp Genetics (formerly Invitae), Labcorp
Classification: Uncertain significance for Dystonic disorder. Last evaluated: 2022-12-02. Review status: criteria provided, single submitter. Criteria: Invitae Variant Classification Sherloc (09022015). Collection method: clinical testing. Allele origin: germline.
Comment: In summary, the available evidence is currently insufficient to determine the role of this variant in disease. Therefore, it has been classified as a Variant of Uncertain Significance. Experimental studies and prediction algorithms are not available or were not evaluated, and the functional significance of this variant is currently unknown. This variant has not been reported in the literature in individuals affected with CIZ1-related conditions. The frequency data for this variant in the population databases is considered unreliable, as metrics indicate poor data quality at this position in the gnomAD database. This variant, c.26_28del, results in the deletion of 1 amino acid(s) of the CIZ1 protein (p.Gln9del), but otherwise preserves the integrity of the reading frame.